The following is an entry in ClinVar:

ClinVar aggregate classification (germline): Likely benign. Review status: criteria provided, multiple submitters, no conflicts (2 of 4 stars). 3 submissions from 3 submitters: Likely benign (3). Last evaluated 2025-08-01.

Conditions:
APC-related disorder. Also called: APC-related condition.

Allele frequency attached by ClinVar (database versions not stated): TOPMed 0.00007; gnomAD 0.00008; gnomAD exomes 0.00021.
gnomAD v4.1: 188 of 985,760 alleles (0.019%); highest among the groups gnomAD compares: Non-Finnish European, 0.022%; no homozygotes.

Submissions (3):

PreventionGenetics, part of Exact Sciences
Classification: Likely benign for APC-related condition. Last evaluated: 2025-08-01. Review status: criteria provided, single submitter. Criteria: ACMG Guidelines, 2015. Collection method: clinical testing. Allele origin: germline.
Comment: This variant is classified as likely benign based on ACMG/AMP sequence variant interpretation guidelines (Richards et al. 2015 PMID: 25741868, with internal and published modifications).

Center for Genomic Medicine, Rigshospitalet, Copenhagen University Hospital
Classification: Likely benign. Last evaluated: 2025-03-04. Review status: criteria provided, single submitter. Criteria: ACMG Guidelines, 2015. Collection method: clinical testing. Allele origin: germline.

ARUP Laboratories, Molecular Genetics and Genomics, ARUP Laboratories
Classification: Likely benign. Last evaluated: 2021-06-11. Review status: criteria provided, single submitter. Criteria: ARUP Molecular Germline Variant Investigation Process 2021. Collection method: clinical testing. Allele origin: germline.

NM_000038.6(APC):c.-19+509G>A

Gene: APC (APC regulator of Wnt signaling pathway; plus strand). Cytogenetic location: 5q22.2.
Variant type: single nucleotide variant.
Coding change: c.-19+509G>A on transcript NM_000038.6 (MANE Select); 509 bases into the intron after 19 bases upstream of the start codon, G replaced by A.
Molecular consequence: intron variant. On other transcripts: 5 prime UTR variant (1), missense variant (2).
Genome position (GRCh38, 1-based): chr5:112,738,434, G>A. VCF-style: chr5-112738434-G-A. GRCh37 (hg19) VCF-style: chr5-112074131-G-A.
Other names: c.-43+509G>A (NM_001354905.2, NM_001354900.2, NM_001354901.2); c.-18-16439G>A (NM_001354895.2); c.166-27892G>A (NM_001354897.2, NM_001354902.2, NM_001127511.3); c.-1054+509G>A (NM_001354906.2); c.-19+509G>A (NM_001354896.2, NM_001354903.2, NM_001354899.2); c.-45G>A (NM_001127510.3); c.34G>A, p.Gly12Arg (NM_001354898.2, NM_001354904.2); c.34G>A (NM_001354904.1); short protein forms G12R.
Identifiers: ClinVar variation 1331061 (VCV001331061.11), dbSNP rs745770540, ClinGen allele CA124952229.